The following is an entry in ClinVar:

NM_007294.4(BRCA1):c.5074+221A>G

Gene: BRCA1 (BRCA1 DNA repair associated; minus strand). Cytogenetic location: 17q21.31.
Variant type: single nucleotide variant.
Coding change: c.5074+221A>G on transcript NM_007294.4 (MANE Select); 221 bases into the intron after coding-DNA position 5074, A replaced by G.
Molecular consequence: intron variant.
Genome position (GRCh38, 1-based): chr17:43,067,387, T>C on the plus strand (A>G on the coding strand, the complement: BRCA1 is on the minus strand). VCF-style: chr17-43067387-T-C. GRCh37 (hg19) VCF-style: chr17-41219404-T-C.
Other names: IVS 17+221A>G; c.1621+221A>G (NM_001408458.1, NM_001408461.1, NM_001408464.1 and 7 more transcripts); c.4183+221A>G (NM_001407967.1); c.4693+221A>G (NM_001407959.1); c.4807+221A>G (NM_001407931.1, NM_001407932.1, NM_001407928.1 and 4 more transcripts); c.4930+221A>G (NM_001407747.1, NM_001407745.1, NM_001407737.1 and 21 more transcripts); c.4690+221A>G (NM_001407962.1, NM_001407960.1); c.1261+221A>G (NM_001408512.1); and 72 more.
Identifiers: ClinVar variation 209348 (VCV000209348.2), dbSNP rs142117419, ClinGen allele CA276320.

ClinVar aggregate classification (germline): Benign (3 of 4 stars; one submission).

Conditions:
Breast-ovarian cancer, familial, susceptibility to, 1 (BROVCA1). Also called: BRCA1 Hereditary Breast and Ovarian Cancer; OVARIAN CANCER, SUSCEPTIBILITY TO. Identifiers: Orphanet 145, MedGen C2676676, MONDO:0011450, OMIM 604370. Disease mechanism: loss of function.

Allele frequency attached by ClinVar (database versions not stated): gnomAD exomes 0.00023; 1000 Genomes Project 30x 0.00219; 1000 Genomes Project 0.00220; gnomAD 0.00242 and 0.00263; TOPMed 0.00264.
gnomAD v4.1: 426 of 418,644 alleles (0.1%); highest among the groups gnomAD compares: African/African-American, 0.82%; 2 homozygotes.

Submission:

Evidence-based Network for the Interpretation of Germline Mutant Alleles (ENIGMA)
Classification: Benign for Breast-ovarian cancer, familial 1. Last evaluated: 2015-01-12. Review status: reviewed by expert panel. Criteria: ENIGMA BRCA1/2 Classification Criteria (2015). Collection method: curation. Allele origin: germline.
Comment: Class 1 not pathogenic based on frequency >1% in an outbred sampleset. Frequency 0.01626 (African), derived from 1000 genomes (2012-04-30).